The following is an entry in ClinVar:

ClinVar aggregate classification (germline): Pathogenic (1 of 4 stars; one submission).

Conditions:
LAMA2-related muscular dystrophy (LAMA2-RD). Also called: Laminin alpha 2-related dystrophy. Identifiers: MedGen C5679788, MONDO:0100228.

Submission:

Labcorp Genetics (formerly Invitae), Labcorp
Classification: Pathogenic for LAMA2-related muscular dystrophy. Last evaluated: 2024-05-28. Review status: criteria provided, single submitter. Criteria: Invitae Variant Classification Sherloc (09022015). Collection method: clinical testing. Allele origin: germline.
Comment: This sequence change creates a premature translational stop signal (p.Ile2091Serfs*12) in the LAMA2 gene. It is expected to result in an absent or disrupted protein product. Loss-of-function variants in LAMA2 are known to be pathogenic (PMID: 18700894, 32904964). This variant is not present in population databases (gnomAD no frequency). This variant has not been reported in the literature in individuals affected with LAMA2-related conditions. Algorithms developed to predict the effect of sequence changes on RNA splicing suggest that this variant may disrupt the consensus splice site. For these reasons, this variant has been classified as Pathogenic.

Literature cited by the submitters: PubMed 18700894; PubMed 32904964.

NM_000426.4(LAMA2):c.6271delA (p.Ile2091fs)

Gene: LAMA2 (laminin subunit alpha 2; plus strand). Cytogenetic location: 6q22.33.
Variant type: Deletion.
Coding change: c.6271delA on transcript NM_000426.4 (MANE Select); coding-DNA position 6271, one base deleted (A).
Protein change: p.Ile2091fs; shifts the reading frame from isoleucine 2091.
Molecular consequence: frameshift variant.
Genome position (GRCh38, 1-based): chr6:129,443,065, A deleted; the last of 3 consecutive A bases (chr6:129,443,063-129,443,065); deleting any one gives the same sequence. VCF-style (leftmost placement, unchanged base first): chr6-129443062-GA-G. GRCh37 (hg19) VCF-style: chr6-129764207-GA-G.
Other names: c.6271delA, p.Ile2091fs (NM_001079823.2); short protein forms I2091fs.
Identifiers: ClinVar variation 3644492 (VCV003644492.2).